The following is an entry in ClinVar:

NM_001032.5(RPS29):c.7C>T (p.His3Tyr)

Gene: RPS29 (ribosomal protein S29; minus strand). Cytogenetic location: 14q21.3.
Variant type: single nucleotide variant.
Coding change: c.7C>T on transcript NM_001032.5 (MANE Select); coding-DNA position 7, C replaced by T.
Protein change: p.His3Tyr; replaces histidine 3 with tyrosine.
Molecular consequence: missense variant. On other transcripts: intron variant (1).
Genome position (GRCh38, 1-based): chr14:49,586,340, G>A on the plus strand (C>T on the coding strand, the complement: RPS29 is on the minus strand). VCF-style: chr14-49586340-G-A. GRCh37 (hg19) VCF-style: chr14-50053058-G-A.
Other names: c.7C>T, p.His3Tyr (NM_001030001.4); c.54-291C>T (NM_001351375.2); short protein forms H3Y.
Identifiers: ClinVar variation 2718761 (VCV002718761.3), dbSNP rs769742652, ClinGen allele CA7171950.

ClinVar aggregate classification (germline): Uncertain significance (1 of 4 stars; one submission).

Allele frequency attached by ClinVar (database versions not stated): ExAC 0.00002.
gnomAD v4.1: 39 of 1,613,708 alleles (0.0024%); highest among the groups gnomAD compares: Non-Finnish European, 0.0028%; no homozygotes.

Submission:

Labcorp Genetics (formerly Invitae), Labcorp
Classification: Uncertain significance. Last evaluated: 2025-12-31. Review status: criteria provided, single submitter. Criteria: Invitae Variant Classification Sherloc (09022015). Collection method: clinical testing. Allele origin: germline.
Comment: This sequence change replaces histidine, which is basic and polar, with tyrosine, which is neutral and polar, at codon 3 of the RPS29 protein (p.His3Tyr). This variant is present in population databases (rs769742652, gnomAD 0.007%). This variant has not been reported in the literature in individuals affected with RPS29-related conditions. ClinVar contains an entry for this variant (Variation ID: 2718761). An algorithm developed to predict the effect of missense changes on protein structure and function (PolyPhen-2) suggests that this variant is likely to be disruptive. In summary, the available evidence is currently insufficient to determine the role of this variant in disease. Therefore, it has been classified as a Variant of Uncertain Significance.